The following is an entry in ClinVar:

ClinVar aggregate classification (germline): Uncertain significance (1 of 4 stars; one submission).

Conditions:
Common variable immunodeficiency (CVID). Also called: Common variable hypogamma-globulinemia; Common variable agammaglobulinemia. Identifiers: Orphanet 1572, MedGen C0009447, MONDO:0015517.

Submission:

Labcorp Genetics (formerly Invitae), Labcorp
Classification: Uncertain significance for Common variable immunodeficiency. Last evaluated: 2024-06-16. Review status: criteria provided, single submitter. Criteria: Invitae Variant Classification Sherloc (09022015). Collection method: clinical testing. Allele origin: germline.
Comment: This sequence change replaces arginine, which is basic and polar, with glutamine, which is neutral and polar, at codon 87 of the TNFSF12 protein (p.Arg87Gln). This variant is present in population databases (rs752514616, gnomAD 0.003%). This variant has not been reported in the literature in individuals affected with TNFSF12-related conditions. Algorithms developed to predict the effect of missense changes on protein structure and function output the following: SIFT: "Not Available"; PolyPhen-2: "Benign"; Align-GVGD: "Not Available". The glutamine amino acid residue is found in multiple mammalian species, which suggests that this missense change does not adversely affect protein function. In summary, the available evidence is currently insufficient to determine the role of this variant in disease. Therefore, it has been classified as a Variant of Uncertain Significance.

NM_003809.3(TNFSF12):c.260G>A (p.Arg87Gln)

Genes: TNFSF12 (TNF superfamily member 12; plus strand), TNFSF12-TNFSF13 (TNFSF12-TNFSF13 readthrough; plus strand). Cytogenetic location: 17p13.1.
Variant type: single nucleotide variant.
Coding change: c.260G>A on transcript NM_003809.3 (MANE Select); coding-DNA position 260, G replaced by A.
Protein change: p.Arg87Gln; replaces arginine 87 with glutamine.
Molecular consequence: missense variant. On other transcripts: non-coding transcript variant (1).
Genome position (GRCh38, 1-based): chr17:7,550,172, G>A. VCF-style: chr17-7550172-G-A. GRCh37 (hg19) VCF-style: chr17-7453489-G-A.
Other names: c.260G>A, p.Arg87Gln (NM_172089.4); short protein forms R87Q.
Identifiers: ClinVar variation 3713682 (VCV003713682.2).